The following is an entry in ClinVar:

ClinVar aggregate classification (germline): Uncertain significance. Review status: criteria provided, multiple submitters, no conflicts (2 of 4 stars). 2 submissions from 2 submitters: Uncertain significance (2). Last evaluated 2026-04-14.

Conditions:
EGFR-related lung cancer (EGFR). Identifiers: MedGen CN130014.
Hereditary cancer-predisposing syndrome. Also called: Neoplastic Syndromes, Hereditary; Tumor predisposition; Hereditary Cancer Syndrome; Hereditary neoplastic syndrome. Identifiers: Orphanet 140162, MedGen C0027672, MeSH D009386, MONDO:0015356.

gnomAD v4.1: 1 of 1,613,962 alleles (0.000062%); highest among the groups gnomAD compares: African/African-American, 0.0013%; no homozygotes.

Submissions (2):

Ambry Genetics
Classification: Uncertain significance for Hereditary cancer-predisposing syndrome. Last evaluated: 2026-04-14. Review status: criteria provided, single submitter. Criteria: Ambry Variant Classification Scheme 2023. Collection method: clinical testing. Allele origin: germline.
Comment: The p.G901R variant (also known as c.2701G>C), located in coding exon 22 of the EGFR gene, results from a G to C substitution at nucleotide position 2701. The glycine at codon 901 is replaced by arginine, an amino acid with dissimilar properties. However, this change occurs in the last base pair of coding exon 22, which makes it likely to have some effect on normal mRNA splicing. This nucleotide position is highly conserved in available vertebrate species. This amino acid position is highly conserved in available vertebrate species. In silico splice site analysis predicts that this alteration will weaken the native splice donor site. In addition, as a missense substitution this is predicted to be deleterious by in silico analysis. Based on the available evidence, the clinical significance of this variant remains unclear.

Labcorp Genetics (formerly Invitae), Labcorp
Classification: Uncertain significance for EGFR-related lung cancer. Last evaluated: 2025-03-16. Review status: criteria provided, single submitter. Criteria: Invitae Variant Classification Sherloc (09022015). Collection method: clinical testing. Allele origin: germline.
Comment: This sequence change replaces glycine, which is neutral and non-polar, with arginine, which is basic and polar, at codon 901 of the EGFR protein (p.Gly901Arg). This variant also falls at the last nucleotide of exon 22, which is part of the consensus splice site for this exon. This variant is present in population databases (no rsID available, gnomAD 0.01%). This variant has not been reported in the literature in individuals affected with EGFR-related conditions. An algorithm developed to predict the effect of missense changes on protein structure and function (PolyPhen-2) suggests that this variant is likely to be disruptive. Variants that disrupt the consensus splice site are a relatively common cause of aberrant splicing (PMID: 17576681, 9536098). Algorithms developed to predict the effect of sequence changes on RNA splicing suggest that this variant may disrupt the consensus splice site. In summary, the available evidence is currently insufficient to determine the role of this variant in disease. Therefore, it has been classified as a Variant of Uncertain Significance.

Literature cited by the submitters: PubMed 17576681 (cited by Labcorp Genetics (formerly Invitae), Labcorp); PubMed 9536098 (cited by Labcorp Genetics (formerly Invitae), Labcorp).

NM_005228.5(EGFR):c.2701G>C (p.Gly901Arg)

Gene: EGFR (epidermal growth factor receptor; plus strand). Cytogenetic location: 7p11.2.
Variant type: single nucleotide variant.
Coding change: c.2701G>C on transcript NM_005228.5 (MANE Select); coding-DNA position 2701, G replaced by C.
Protein change: p.Gly901Arg; replaces glycine 901 with arginine.
Molecular consequence: missense variant.
Genome position (GRCh38, 1-based): chr7:55,192,841, G>C. VCF-style: chr7-55192841-G-C. GRCh37 (hg19) VCF-style: chr7-55260534-G-C.
Other names: c.2566G>C, p.Gly856Arg (NM_001346897.2, NM_001346899.2); c.2701G>C, p.Gly901Arg (NM_001346898.2); c.2542G>C, p.Gly848Arg (NM_001346900.2); c.1900G>C, p.Gly634Arg (NM_001346941.2); short protein forms G634R, G901R, G848R, G856R.
Identifiers: ClinVar variation 4753664 (VCV004753664.2).
Genomic context (GRCh38, chr7:55,192,841, plus strand): 5'-ATGGCATTGGAATCAATTTTACACAGAATCTATACCCACCAGAGTGATGTCTGGAGCTAC[G>C]GTGAGTCATAATCCTGATGCTAATGAGTTTGTACTGAGGCCAAGCTGGCTTTTATTGTTA-3'
Protein context (NP_005219.2, residues 891-911): YTHQSDVWSY[Gly901Arg]VTVWELMTFG